The following is an entry in ClinVar:

ClinVar aggregate classification (germline): Uncertain significance. Review status: criteria provided, multiple submitters, no conflicts (2 of 4 stars). 2 submissions from 2 submitters: Uncertain significance (2). Last evaluated 2024-03-28.

Conditions:
Primary ciliary dyskinesia. Also called: Ciliary dyskinesia. Identifiers: Orphanet 244, MedGen C0008780, MONDO:0016575, HP:0012265.

Allele frequency attached by ClinVar (database versions not stated): ExAC 0.00007; TOPMed 0.00011; 1000 Genomes Project 30x 0.00016; 1000 Genomes Project 0.00020.
gnomAD v4.1: 42 of 1,613,868 alleles (0.0026%); highest among the groups gnomAD compares: East Asian, 0.091%; no homozygotes.

Submissions (2):

Ambry Genetics
Classification: Uncertain significance for Primary ciliary dyskinesia. Last evaluated: 2024-03-28. Review status: criteria provided, single submitter. Criteria: Ambry Variant Classification Scheme 2023. Collection method: clinical testing. Allele origin: germline.

Labcorp Genetics (formerly Invitae), Labcorp
Classification: Uncertain significance for Primary ciliary dyskinesia. Last evaluated: 2023-06-16. Review status: criteria provided, single submitter. Criteria: Invitae Variant Classification Sherloc (09022015). Collection method: clinical testing. Allele origin: germline.
Comment: In summary, the available evidence is currently insufficient to determine the role of this variant in disease. Therefore, it has been classified as a Variant of Uncertain Significance. Advanced modeling of protein sequence and biophysical properties (such as structural, functional, and spatial information, amino acid conservation, physicochemical variation, residue mobility, and thermodynamic stability) performed at Invitae indicates that this missense variant is not expected to disrupt DNAAF3 protein function. This variant has not been reported in the literature in individuals affected with DNAAF3-related conditions. This variant is present in population databases (rs543007128, gnomAD 0.06%). This sequence change replaces proline, which is neutral and non-polar, with arginine, which is basic and polar, at codon 412 of the DNAAF3 protein (p.Pro412Arg).

NM_001256715.2(DNAAF3):c.1031C>G (p.Pro344Arg)

Genes: DNAAF3 (dynein axonemal assembly factor 3; minus strand), DNAAF3-AS1 (DNAAF3 antisense RNA 1; plus strand), LOC130065090 (ATAC-STARR-seq lymphoblastoid silent region 11016; plus strand). Cytogenetic location: 19q13.42.
Variant type: single nucleotide variant.
Coding change: c.1031C>G on transcript NM_001256715.2 (MANE Select); coding-DNA position 1031, C replaced by G.
Protein change: p.Pro344Arg; replaces proline 344 with arginine.
Molecular consequence: missense variant.
Genome position (GRCh38, 1-based): chr19:55,160,657, G>C on the plus strand (C>G on the coding strand, the complement: DNAAF3 is on the minus strand). VCF-style: chr19-55160657-G-C. GRCh37 (hg19) VCF-style: chr19-55672025-G-C.
Other names: c.1235C>G, p.Pro412Arg (NM_001256714.1); c.869C>G, p.Pro290Arg (NM_001256716.2); c.1172C>G, p.Pro391Arg (NM_178837.4); short protein forms P344R, P412R, P290R, P391R.
Identifiers: ClinVar variation 2862030 (VCV002862030.4), dbSNP rs543007128, ClinGen allele CA9667972.